The following is an entry in ClinVar:

NM_001164277.2(SLC37A4):c.577G>A (p.Asp193Asn)

Gene: SLC37A4 (solute carrier family 37 member 4; minus strand). Cytogenetic location: 11q23.3.
Variant type: single nucleotide variant.
Coding change: c.577G>A on transcript NM_001164277.2 (MANE Select); coding-DNA position 577, G replaced by A.
Protein change: p.Asp193Asn; replaces aspartic acid 193 with asparagine.
Molecular consequence: missense variant.
Genome position (GRCh38, 1-based): chr11:119,027,676, C>T on the plus strand (G>A on the coding strand, the complement: SLC37A4 is on the minus strand). VCF-style: chr11-119027676-C-T. GRCh37 (hg19) VCF-style: chr11-118898386-C-T.
Other names: c.577G>A, p.Asp193Asn (NM_001164278.2, NM_001164280.2, NM_001467.6); c.358G>A, p.Asp120Asn (NM_001164279.2); c.577G>A (NM_001467.5); short protein forms D120N, D193N.
Identifiers: ClinVar variation 2147877 (VCV002147877.3), dbSNP rs749226385, ClinGen allele CA229598970.

ClinVar aggregate classification (germline): Uncertain significance. Review status: criteria provided, multiple submitters, no conflicts (2 of 4 stars). 2 submissions from 2 submitters: Uncertain significance (2). Last evaluated 2026-01-04.

Conditions:
Glucose-6-phosphate transport defect (GSD1B). Also called: GSD Ib; Glycogen Storage Disease Type Ib. Identifiers: Orphanet 364, Orphanet 79259, MedGen C0268146, MONDO:0009288, OMIM 232220.
Inborn genetic diseases. Identifiers: MedGen C0950123, MeSH D030342.

Allele frequency attached by ClinVar (database versions not stated): TOPMed below 0.00001; gnomAD 0.00001; gnomAD exomes 0.00001.

Submissions (2):

Labcorp Genetics (formerly Invitae), Labcorp
Classification: Uncertain significance for Glucose-6-phosphate transport defect. Last evaluated: 2026-01-04. Review status: criteria provided, single submitter. Criteria: Invitae Variant Classification Sherloc (09022015). Collection method: clinical testing. Allele origin: germline.
Comment: This sequence change replaces aspartic acid, which is acidic and polar, with asparagine, which is neutral and polar, at codon 193 of the SLC37A4 protein (p.Asp193Asn). This variant is present in population databases (no rsID available, gnomAD 0.002%). This variant has not been reported in the literature in individuals affected with SLC37A4-related conditions. ClinVar contains an entry for this variant (Variation ID: 2147877). Invitae Evidence Modeling of protein sequence and biophysical properties (such as structural, functional, and spatial information, amino acid conservation, physicochemical variation, residue mobility, and thermodynamic stability) indicates that this missense variant is not expected to disrupt SLC37A4 protein function with a negative predictive value of 80%. In summary, the available evidence is currently insufficient to determine the role of this variant in disease. Therefore, it has been classified as a Variant of Uncertain Significance.

Ambry Genetics
Classification: Uncertain significance for Inborn genetic diseases. Last evaluated: 2023-11-21. Review status: criteria provided, single submitter. Criteria: Ambry Variant Classification Scheme 2023. Collection method: clinical testing. Allele origin: germline.
Comment: The p.D193N variant (also known as c.577G>A), located in coding exon 3 of the SLC37A4 gene, results from a G to A substitution at nucleotide position 577. The aspartic acid at codon 193 is replaced by asparagine, an amino acid with highly similar properties. This amino acid position is conserved. In addition, this alteration is predicted to be tolerated by in silico analysis. Since supporting evidence is limited at this time, the clinical significance of this alteration remains unclear.